The following is an entry in ClinVar:

ClinVar aggregate classification (germline): Pathogenic. Review status: criteria provided, single submitter (1 of 4 stars). 2 submissions from 2 submitters: Pathogenic (1). 1 of the submissions does not count toward it. Last evaluated 2023-09-04.

Conditions:
Craniofrontonasal syndrome (CFNS). Also called: CRANIOFRONTONASAL DYSOSTOSIS. Identifiers: Orphanet 1520, MedGen C0220767, MONDO:0010570, OMIM 304110.

Submissions (2):

Labcorp Genetics (formerly Invitae), Labcorp
Classification: Pathogenic. Last evaluated: 2023-09-04. Review status: criteria provided, single submitter. Criteria: Invitae Variant Classification Sherloc (09022015). Collection method: clinical testing. Allele origin: germline.
Comment: For these reasons, this variant has been classified as Pathogenic. Experimental studies are conflicting or provide insufficient evidence to determine the effect of this variant on EFNB1 function (PMID: 20565770). Advanced modeling of protein sequence and biophysical properties (such as structural, functional, and spatial information, amino acid conservation, physicochemical variation, residue mobility, and thermodynamic stability) performed at Invitae indicates that this missense variant is expected to disrupt EFNB1 protein function. ClinVar contains an entry for this variant (Variation ID: 11707). This variant is also known as c.1023C>T. This missense change has been observed in individual(s) with craniofrontonasal syndrome (PMID: 15124102). It has also been observed to segregate with disease in related individuals. This variant is not present in population databases (gnomAD no frequency). This sequence change replaces threonine, which is neutral and polar, with isoleucine, which is neutral and non-polar, at codon 111 of the EFNB1 protein (p.Thr111Ile).

OMIM
Classification: Pathogenic for CRANIOFRONTONASAL SYNDROME. Last evaluated: 2004-06-01. Review status: no assertion criteria provided. Collection method: literature only. Allele origin: germline. Not counted in ClinVar's aggregate classification.

Literature cited by the submitters: PubMed 20565770 (cited by Labcorp Genetics (formerly Invitae), Labcorp); PubMed 15124102 (cited by Labcorp Genetics (formerly Invitae), Labcorp and OMIM).

NM_004429.5(EFNB1):c.332C>T (p.Thr111Ile)

Gene: EFNB1 (ephrin B1; plus strand). Cytogenetic location: Xq13.1.
Variant type: single nucleotide variant.
Coding change: c.332C>T on transcript NM_004429.5 (MANE Select); coding-DNA position 332, C replaced by T.
Protein change: p.Thr111Ile; replaces threonine 111 with isoleucine.
Molecular consequence: missense variant.
Genome position (GRCh38, 1-based): chrX:68,838,820, C>T. VCF-style: chrX-68838820-C-T. GRCh37 (hg19) VCF-style: chrX-68058663-C-T.
Other names: short protein forms T111I.
Identifiers: ClinVar variation 11707 (VCV000011707.4), dbSNP rs104894796, ClinGen allele CA121632.